The following is an entry in ClinVar:

NC_000013.10:g.(?_48953730)_(48954377_?)del

Gene: RB1 (RB transcriptional corepressor 1; plus strand). Cytogenetic location: 13q14.2.
Variant type: Deletion.
Identifiers: ClinVar variation 2422876 (VCV002422876.4).

ClinVar aggregate classification (germline): Pathogenic (1 of 4 stars; one submission).

Conditions:
Retinoblastoma (RB1). Also called: RETINOBLASTOMA, SOMATIC. Identifiers: Orphanet 790, MedGen C0035335, MeSH D012175, MONDO:0008380, OMIM 180200, HP:0009919. Disease mechanism: loss of function. Inheritance: Both sporadic and heritable forms are tested..

Submission:

Labcorp Genetics (formerly Invitae), Labcorp
Classification: Pathogenic for Retinoblastoma. Last evaluated: 2022-02-23. Review status: criteria provided, single submitter. Criteria: Invitae Variant Classification Sherloc (09022015). Collection method: clinical testing. Allele origin: germline.
Comment: For these reasons, this variant has been classified as Pathogenic. This variant has not been reported in the literature in individuals affected with RB1-related conditions. This variant is a gross deletion of the genomic region encompassing exon(s) 14-16 of the RB1 gene. This deletion is out-of-frame, and is expected to create a premature termination codon and result in an absent or disrupted protein product. Loss-of-function variants in RB1 are known to be pathogenic (PMID: 17096365).

Literature cited by the submitters: PubMed 17096365.